The following is an entry in ClinVar:

NM_020911.2(PLXNA4):c.5142G>A (p.Lys1714=)

Gene: PLXNA4 (plexin A4; minus strand). Cytogenetic location: 7q32.3.
Variant type: single nucleotide variant.
Coding change: c.5142G>A on transcript NM_020911.2 (MANE Select); coding-DNA position 5142, G replaced by A.
Protein change: p.Lys1714=; no amino-acid change (lysine 1714 retained).
Molecular consequence: synonymous variant.
Genome position (GRCh38, 1-based): chr7:132,145,202, C>T on the plus strand (G>A on the coding strand, the complement: PLXNA4 is on the minus strand). VCF-style: chr7-132145202-C-T. GRCh37 (hg19) VCF-style: chr7-131829961-C-T.
Other names: c.5142G>A, p.Lys1714= (NM_001393897.1).
Identifiers: ClinVar variation 4998949 (VCV004998949.1).

ClinVar aggregate classification (germline): Likely benign (1 of 4 stars; one submission).

Conditions:
PLXNA4-related disorder. Also called: PLXNA4-related condition.

gnomAD v4.1: 10 of 1,614,206 alleles (0.00062%); highest among the groups gnomAD compares: Non-Finnish European, 0.00085%; no homozygotes.

Submission:

PreventionGenetics, part of Exact Sciences
Classification: Likely benign for PLXNA4-related condition. Last evaluated: 2026-02-18. Review status: criteria provided, single submitter. Criteria: ACMG Guidelines, 2015. Collection method: clinical testing. Allele origin: germline.
Comment: This variant is classified as likely benign based on ACMG/AMP sequence variant interpretation guidelines (Richards et al. 2015 PMID: 25741868, with internal and published modifications).